The following is an entry in ClinVar:

NM_001040142.2(SCN2A):c.4883T>C (p.Ile1628Thr)

Gene: SCN2A (sodium voltage-gated channel alpha subunit 2; plus strand). Cytogenetic location: 2q24.3.
Variant type: single nucleotide variant.
Coding change: c.4883T>C on transcript NM_001040142.2 (MANE Select); coding-DNA position 4883, T replaced by C.
Protein change: p.Ile1628Thr; replaces isoleucine 1628 with threonine.
Molecular consequence: missense variant.
Genome position (GRCh38, 1-based): chr2:165,388,689, T>C. VCF-style: chr2-165388689-T-C. GRCh37 (hg19) VCF-style: chr2-166245199-T-C.
Other names: c.4883T>C, p.Ile1628Thr (NM_001040143.2, NM_001371246.1, NM_001371247.1 and 1 more transcripts); short protein forms I1628T.
Identifiers: ClinVar variation 464913 (VCV000464913.9), dbSNP rs1553463420, ClinGen allele CA349037698.

ClinVar aggregate classification (germline): Uncertain significance (1 of 4 stars; one submission).

Conditions:
Developmental and epileptic encephalopathy, 11 (DEE11). Also called: Early infantile epileptic encephalopathy 11. Identifiers: Orphanet 1934, MedGen C3150987, MONDO:0013388, OMIM 613721.
Seizures, benign familial infantile, 3 (BFIS3). Also called: CONVULSIONS, BENIGN FAMILIAL INFANTILE, 3; Familial neonatal seizures. Identifiers: Orphanet 140927, Orphanet 306, MedGen C1843140, MONDO:0011904, OMIM 607745.

Submission:

Labcorp Genetics (formerly Invitae), Labcorp
Classification: Uncertain significance for Seizures, benign familial infantile, 3; Developmental and epileptic encephalopathy, 11. Last evaluated: 2017-08-29. Review status: criteria provided, single submitter. Criteria: Invitae Variant Classification Sherloc (09022015). Collection method: clinical testing. Allele origin: germline.
Comment: Algorithms developed to predict the effect of missense changes on protein structure and function do not agree on the potential impact of this missense change (SIFT: "Deleterious"; PolyPhen-2: "Probably Damaging"; Align-GVGD: "Class C0"). This variant is not present in population databases (ExAC no frequency) and has not been reported in the literature in individuals with a SCN2A-related disease. This sequence change replaces isoleucine with threonine at codon 1628 of the SCN2A protein (p.Ile1628Thr). The isoleucine residue is highly conserved and there is a moderate physicochemical difference between isoleucine and threonine. In summary, this variant is a novel missense change with uncertain impact on protein function. It has been classified as a Variant of Uncertain Significance.